The following is an entry in ClinVar:

NM_015046.7(SETX):c.4073C>T (p.Ser1358Leu)

Gene: SETX (senataxin; minus strand). Cytogenetic location: 9q34.13.
Variant type: single nucleotide variant.
Coding change: c.4073C>T on transcript NM_015046.7 (MANE Select); coding-DNA position 4073, C replaced by T.
Protein change: p.Ser1358Leu; replaces serine 1358 with leucine.
Molecular consequence: missense variant.
Genome position (GRCh38, 1-based): chr9:132,327,525, G>A on the plus strand (C>T on the coding strand, the complement: SETX is on the minus strand). VCF-style: chr9-132327525-G-A. GRCh37 (hg19) VCF-style: chr9-135202912-G-A.
Other names: c.4073C>T, p.Ser1358Leu (NM_001351527.2, NM_001351528.2); short protein forms S1358L.
Identifiers: ClinVar variation 3753929 (VCV003753929.2).

ClinVar aggregate classification (germline): Uncertain significance (1 of 4 stars; one submission).

Conditions:
Amyotrophic lateral sclerosis type 4 (ALS4). Also called: AMYOTROPHIC LATERAL SCLEROSIS 4, JUVENILE; NEURONOPATHY, DISTAL HEREDITARY MOTOR, WITH PYRAMIDAL FEATURES. Identifiers: Orphanet 357043, MedGen C1865409, MONDO:0011223, OMIM 602433.
Spinocerebellar ataxia, autosomal recessive, with axonal neuropathy 2 (SCAN2). Also called: ATAXIA-OCULOMOTOR APRAXIA 2; Ataxia with Oculomotor Apraxia Type 2; Ataxia-ocular apraxia-2; Ataxia with Oculomotor Apraxia. Identifiers: Orphanet 64753, MedGen C1853761, MONDO:0018996, OMIM 606002.

Submission:

Labcorp Genetics (formerly Invitae), Labcorp
Classification: Uncertain significance for Amyotrophic lateral sclerosis type 4; Spinocerebellar ataxia, autosomal recessive, with axonal neuropathy 2. Last evaluated: 2024-07-17. Review status: criteria provided, single submitter. Criteria: Invitae Variant Classification Sherloc (09022015). Collection method: clinical testing. Allele origin: germline.
Comment: This sequence change replaces serine, which is neutral and polar, with leucine, which is neutral and non-polar, at codon 1358 of the SETX protein (p.Ser1358Leu). This variant is not present in population databases (gnomAD no frequency). This variant has not been reported in the literature in individuals affected with SETX-related conditions. Advanced modeling of protein sequence and biophysical properties (such as structural, functional, and spatial information, amino acid conservation, physicochemical variation, residue mobility, and thermodynamic stability) performed at Invitae indicates that this missense variant is not expected to disrupt SETX protein function with a negative predictive value of 95%. In summary, the available evidence is currently insufficient to determine the role of this variant in disease. Therefore, it has been classified as a Variant of Uncertain Significance.